The following is an entry in ClinVar:

ClinVar aggregate classification (germline): Uncertain significance (1 of 4 stars; one submission).

Submission:

Labcorp Genetics (formerly Invitae), Labcorp
Classification: Uncertain significance. Last evaluated: 2025-08-03. Review status: criteria provided, single submitter. Criteria: Invitae Variant Classification Sherloc (09022015). Collection method: clinical testing. Allele origin: germline.
Comment: This sequence change falls in intron 9 of the MICAL1 gene. It does not directly change the encoded amino acid sequence of the MICAL1 protein. Information on the frequency of this variant in the gnomAD database is not available, as this variant may be reported differently in the database. This variant has not been reported in the literature in individuals affected with MICAL1-related conditions. ClinVar contains an entry for this variant (Variation ID: 1920951). Experimental studies and prediction algorithms are not available or were not evaluated, and the effect of this variant on mRNA splicing is currently unknown. In summary, the available evidence is currently insufficient to determine the role of this variant in disease. Therefore, it has been classified as a Variant of Uncertain Significance.

NM_022765.4(MICAL1):c.1308-14_1308-13delinsTG

Gene: MICAL1 (microtubule associated monooxygenase, calponin and LIM domain containing 1; minus strand). Cytogenetic location: 6q21.
Variant type: Indel.
Coding change: c.1308-14_1308-13delinsTG on transcript NM_022765.4 (MANE Select); 14 bases into the intron before coding-DNA position 1308 through 13 bases into the intron before coding-DNA position 1308, CC replaced by TG.
Molecular consequence: intron variant.
Genome position (GRCh38, 1-based): chr6:109,449,796-109,449,797, GG replaced by CA on the plus strand (CC replaced by TG on the coding strand, the reverse complement: MICAL1 is on the minus strand). VCF-style: chr6-109449796-GG-CA. GRCh37 (hg19) VCF-style: chr6-109770999-GG-CA.
Other names: c.1365-14_1365-13delinsTG (NM_001286613.2); c.1050-14_1050-13delinsTG (NM_001159291.2).
Identifiers: ClinVar variation 1920951 (VCV001920951.5), dbSNP rs2482797183, ClinGen allele CA2580074774.